The following is an entry in ClinVar:

NM_001378609.3(OTOGL):c.6628_6629del (p.Trp2210fs)

Gene: OTOGL (otogelin like; plus strand). Cytogenetic location: 12q21.31.
Variant type: Deletion.
Coding change: c.6628_6629del on transcript NM_001378609.3 (MANE Select); coding-DNA positions 6628 to 6629, 2 bases deleted (TG; older notation c.6628_6629delTG).
Protein change: p.Trp2210fs; shifts the reading frame from tryptophan 2210.
Molecular consequence: frameshift variant.
Genome position (GRCh38, 1-based): chr12:80,370,582-80,370,583, TG deleted. VCF-style (leftmost placement, unchanged base first): chr12-80370581-CTG-C. GRCh37 (hg19) VCF-style: chr12-80764361-CTG-C.
Other names: c.6493_6494del, p.Trp2165fs (NM_001368062.3); c.6628_6629del, p.Trp2210fs (NM_001378610.3, NM_173591.7); c.6601_6602del (NM_173591.3); short protein forms W2165fs, W2210fs.
Identifiers: ClinVar variation 3906463 (VCV003906463.2), dbSNP rs755481648.

ClinVar aggregate classification (germline): Pathogenic/Likely pathogenic. Review status: criteria provided, multiple submitters, no conflicts (2 of 4 stars). 2 submissions from 2 submitters: Pathogenic (1); Likely pathogenic (1). Last evaluated 2025-10-10.

Conditions:
Autosomal recessive nonsyndromic hearing loss 84B. Also called: Deafness, autosomal recessive 84b. Identifiers: Orphanet 90636, MedGen C3554159, MONDO:0013984, OMIM 614944.

Allele frequency attached by ClinVar (database versions not stated): gnomAD exomes 0.00002; TOPMed 0.00003 and 0.00005; ESP Exome Variant Server 0.00008; ExAC 0.00003; gnomAD 0.00003.

Submissions (2):

GeneDx
Classification: Pathogenic. Last evaluated: 2025-10-10. Review status: criteria provided, single submitter. Criteria: GeneDx Variant Classification Process June 2021. Collection method: clinical testing. Allele origin: germline.
Comment: Frameshift variant predicted to result in protein truncation or nonsense mediated decay in a gene for which loss of function is a known mechanism of disease; Not observed at significant frequency in large population cohorts (gnomAD); This variant is associated with the following publications: (PMID: 26969326)

Variantyx, Inc.
Classification: Likely pathogenic for Autosomal recessive nonsyndromic hearing loss 84B. Last evaluated: 2025-07-09. Review status: criteria provided, single submitter. Criteria: Variantyx Assertion Criteria 2022. Collection method: clinical testing. Allele origin: germline. Inheritance: Autosomal recessive inheritance. Affected: no.
Comment: This is a frameshift variant in the OTOGL gene (OMIM: 614925). Pathogenic variants in this gene have been associated with autosomal recessive deafness 84B. This variant introduces a premature termination codon in exon 56 out of 59 and is expected to result in loss of function, which is a known disease mechanism for OTOGL in this disorder (PMID: 25829320) (PVS1). This variant has a 0.0014% maximum allele frequency in non-founder control populations (PM2). Based on the current evidence, this variant is classified as likely pathogenic for autosomal recessive deafness 84B.

Literature cited by the submitters: PubMed 25829320 (cited by Variantyx, Inc.).